The following is an entry in ClinVar:

NM_015346.4(ZFYVE26):c.2801A>G (p.Asn934Ser)

Gene: ZFYVE26 (zinc finger FYVE-type containing 26; minus strand). Cytogenetic location: 14q24.1.
Variant type: single nucleotide variant.
Coding change: c.2801A>G on transcript NM_015346.4 (MANE Select); coding-DNA position 2801, A replaced by G.
Protein change: p.Asn934Ser; replaces asparagine 934 with serine.
Molecular consequence: missense variant.
Genome position (GRCh38, 1-based): chr14:67,789,553, T>C on the plus strand (A>G on the coding strand, the complement: ZFYVE26 is on the minus strand). VCF-style: chr14-67789553-T-C. GRCh37 (hg19) VCF-style: chr14-68256270-T-C.
Other names: short protein forms N934S.
Identifiers: ClinVar variation 2150695 (VCV002150695.1), dbSNP rs776133422, ClinGen allele CA7240166.
Genomic context (GRCh38, chr14:67,789,553, plus strand): 5'-ACTAGAGCCGTGCTTATCCAAAAGTCCTCCTGGAGCATGGGGATGGGGTCTCCAGAGGTG[T>C]TGAGCAGCTTGTCAGTCACGTCAGAGATAGAGTAAAACACCATTCCTGGCCGCCCAGCAG-3'
Protein context (NP_056161.2, residues 924-944): SISDVTDKLL[Asn934Ser]TSGDPIPMLQ

ClinVar aggregate classification (germline): Uncertain significance (1 of 4 stars; one submission).

Conditions:
Spastic paraplegia. Identifiers: MedGen C0037772, HP:0001258.

Allele frequency attached by ClinVar (database versions not stated): ExAC 0.00002.
gnomAD v4.1: 30 of 1,614,010 alleles (0.0019%); highest among the groups gnomAD compares: Admixed American, 0.0017%; no homozygotes.

Submission:

Labcorp Genetics (formerly Invitae), Labcorp
Classification: Uncertain significance for Spastic paraplegia. Last evaluated: 2022-01-02. Review status: criteria provided, single submitter. Criteria: Invitae Variant Classification Sherloc (09022015). Collection method: clinical testing. Allele origin: germline.
Comment: This sequence change replaces asparagine, which is neutral and polar, with serine, which is neutral and polar, at codon 934 of the ZFYVE26 protein (p.Asn934Ser). This variant is present in population databases (rs776133422, gnomAD 0.03%). This variant has not been reported in the literature in individuals affected with ZFYVE26-related conditions. Algorithms developed to predict the effect of missense changes on protein structure and function output the following: SIFT: "Tolerated"; PolyPhen-2: "Benign"; Align-GVGD: "Class C0". The serine amino acid residue is found in multiple mammalian species, which suggests that this missense change does not adversely affect protein function. In summary, the available evidence is currently insufficient to determine the role of this variant in disease. Therefore, it has been classified as a Variant of Uncertain Significance.